The following is an entry in ClinVar:

ClinVar aggregate classification (germline): Uncertain significance (1 of 4 stars; one submission).

Allele frequency attached by ClinVar (database versions not stated): gnomAD 0.00003; TOPMed 0.00003; gnomAD exomes 0.00004 and 0.00006; ExAC 0.00006.
gnomAD v4.1: 56 of 1,609,834 alleles (0.0035%); highest among the groups gnomAD compares: East Asian, 0.013%; no homozygotes.

Submission:

Labcorp Genetics (formerly Invitae), Labcorp
Classification: Uncertain significance. Last evaluated: 2023-08-24. Review status: criteria provided, single submitter. Criteria: Invitae Variant Classification Sherloc (09022015). Collection method: clinical testing. Allele origin: germline.
Comment: This sequence change replaces arginine, which is basic and polar, with histidine, which is basic and polar, at codon 498 of the INPPL1 protein (p.Arg498His). This variant is present in population databases (rs770428487, gnomAD 0.02%). This variant has not been reported in the literature in individuals affected with INPPL1-related conditions. ClinVar contains an entry for this variant (Variation ID: 1472339). An algorithm developed to predict the effect of missense changes on protein structure and function (PolyPhen-2) suggests that this variant is likely to be disruptive. In summary, the available evidence is currently insufficient to determine the role of this variant in disease. Therefore, it has been classified as a Variant of Uncertain Significance.

NM_001567.4(INPPL1):c.1493G>A (p.Arg498His)

Gene: INPPL1 (inositol polyphosphate phosphatase like 1; plus strand). Cytogenetic location: 11q13.4.
Variant type: single nucleotide variant.
Coding change: c.1493G>A on transcript NM_001567.4 (MANE Select); coding-DNA position 1493, G replaced by A.
Protein change: p.Arg498His; replaces arginine 498 with histidine.
Molecular consequence: missense variant.
Genome position (GRCh38, 1-based): chr11:72,231,185, G>A. VCF-style: chr11-72231185-G-A. GRCh37 (hg19) VCF-style: chr11-71942229-G-A.
Other names: short protein forms R498H.
Identifiers: ClinVar variation 1472339 (VCV001472339.5), dbSNP rs770428487, ClinGen allele CA6170036.